The following is an entry in ClinVar:

NM_024494.3(WNT2B):c.302G>A (p.Arg101Gln)

Gene: WNT2B (Wnt family member 2B; plus strand). Cytogenetic location: 1p13.2.
Variant type: single nucleotide variant.
Coding change: c.302G>A on transcript NM_024494.3 (MANE Select); coding-DNA position 302, G replaced by A.
Protein change: p.Arg101Gln; replaces arginine 101 with glutamine.
Molecular consequence: missense variant.
Genome position (GRCh38, 1-based): chr1:112,514,993, G>A. VCF-style: chr1-112514993-G-A. GRCh37 (hg19) VCF-style: chr1-113057615-G-A.
Other names: c.26G>A, p.Arg9Gln (NM_001291880.1); c.245G>A, p.Arg82Gln (NM_004185.4); short protein forms R101Q, R82Q, R9Q.
Identifiers: ClinVar variation 718973 (VCV000718973.10), dbSNP rs140445206, ClinGen allele CA1008236.

ClinVar aggregate classification (germline): Benign. Review status: criteria provided, single submitter (1 of 4 stars). 2 submissions from 2 submitters: Benign (1). 1 of the submissions does not count toward it. Last evaluated 2026-01-25.

Conditions:
WNT2B-related disorder. Also called: WNT2B-related condition.

Allele frequency attached by ClinVar (database versions not stated): gnomAD exomes 0.00032 and 0.00112; gnomAD 0.00036 and 0.00042; TOPMed 0.00069; ExAC 0.00082; 1000 Genomes Project 30x 0.00141; 1000 Genomes Project 0.00180.
gnomAD v4.1: 592 of 1,614,182 alleles (0.037%); highest among the groups gnomAD compares: East Asian, 1.1%; 7 homozygotes.

Submissions (2):

Labcorp Genetics (formerly Invitae), Labcorp
Classification: Benign. Last evaluated: 2026-01-25. Review status: criteria provided, single submitter. Criteria: Invitae Variant Classification Sherloc (09022015). Collection method: clinical testing. Allele origin: germline.

PreventionGenetics, part of Exact Sciences
Classification: Benign for WNT2B-related condition. Last evaluated: 2019-09-10. Review status: no assertion criteria provided. Collection method: clinical testing. Allele origin: germline. Not counted in ClinVar's aggregate classification.
Comment: This variant is classified as benign based on ACMG/AMP sequence variant interpretation guidelines (Richards et al. 2015 PMID: 25741868, with internal and published modifications).